The following is an entry in ClinVar:

NM_004380.3(CREBBP):c.1446G>T (p.Gln482His)

Gene: CREBBP (CREB binding protein; minus strand). Cytogenetic location: 16p13.3.
Variant type: single nucleotide variant.
Coding change: c.1446G>T on transcript NM_004380.3 (MANE Select); coding-DNA position 1446, G replaced by T.
Protein change: p.Gln482His; replaces glutamine 482 with histidine.
Molecular consequence: missense variant.
Genome position (GRCh38, 1-based): chr16:3,782,811, C>A on the plus strand (G>T on the coding strand, the complement: CREBBP is on the minus strand). VCF-style: chr16-3782811-C-A. GRCh37 (hg19) VCF-style: chr16-3832812-C-A.
Other names: c.1332G>T, p.Gln444His (NM_001079846.1); short protein forms Q482H, Q444H.
Identifiers: ClinVar variation 133943 (VCV000133943.1), dbSNP rs587778216, ClinGen allele CA158205.

ClinVar aggregate classification (germline): not provided (0 of 4 stars; one submission).

Submission:

ITMI
No classification provided. Condition: AllHighlyPenetrant. Last evaluated: 2013-09-19. Review status: no classification provided. Collection method: reference population. Allele origin: germline.
Comment: Please see associated publication for description of ethnicities

Literature cited by the submitters: PubMed 24728327.